The following is an entry in ClinVar:

ClinVar aggregate classification (germline): Likely benign. Review status: criteria provided, single submitter (1 of 4 stars). 2 submissions from 2 submitters: Likely benign (1). 1 of the submissions does not count toward it. Last evaluated 2025-12-15.

Conditions:
PCNT-related disorder. Also called: PCNT-related condition.

Allele frequency attached by ClinVar (database versions not stated): ExAC 0.00002; ESP Exome Variant Server 0.00015; gnomAD 0.00003.
gnomAD v4.1: 24 of 1,613,782 alleles (0.0015%); highest among the groups gnomAD compares: African/African-American, 0.008%; no homozygotes.

Submissions (2):

Labcorp Genetics (formerly Invitae), Labcorp
Classification: Likely benign. Last evaluated: 2025-12-15. Review status: criteria provided, single submitter. Criteria: Invitae Variant Classification Sherloc (09022015). Collection method: clinical testing. Allele origin: germline.

PreventionGenetics, part of Exact Sciences
Classification: Likely benign for PCNT-related condition. Last evaluated: 2021-11-04. Review status: no assertion criteria provided. Collection method: clinical testing. Allele origin: germline. Not counted in ClinVar's aggregate classification.
Comment: This variant is classified as likely benign based on ACMG/AMP sequence variant interpretation guidelines (Richards et al. 2015 PMID: 25741868, with internal and published modifications).

NM_006031.6(PCNT):c.2445G>A (p.Thr815=)

Gene: PCNT (pericentrin; plus strand). Cytogenetic location: 21q22.3.
Variant type: single nucleotide variant.
Coding change: c.2445G>A on transcript NM_006031.6 (MANE Select); coding-DNA position 2445, G replaced by A.
Protein change: p.Thr815=; no amino-acid change (threonine 815 retained).
Molecular consequence: synonymous variant.
Genome position (GRCh38, 1-based): chr21:46,363,770, G>A. VCF-style: chr21-46363770-G-A. GRCh37 (hg19) VCF-style: chr21-47783685-G-A.
Other names: c.2091G>A, p.Thr697= (NM_001315529.2); c.2445G>A (NM_006031.5).
Identifiers: ClinVar variation 2722324 (VCV002722324.5), dbSNP rs372282960, ClinGen allele CA10078973.
Genomic context (GRCh38, chr21:46,363,770, plus strand): 5'-AATGAGGCAGCTTCAGGACCAACAGGCAGCCCAGATCCTGGATCTGGAGAGGTCCTTGAC[G>A]GAGCAGCAGGGCCGCCTGCAGCAGCTGGAACAGGACCTCACTTCAGACGACGCCCTGCAT-3'
Protein context (NP_006022.3, residues 805-825): AQILDLERSL[Thr815=]EQQGRLQQLE